The following is an entry in ClinVar:

NM_003322.6(TULP1):c.1139C>G (p.Thr380Arg)

Gene: TULP1 (TUB like protein 1; minus strand). Cytogenetic location: 6p21.31.
Variant type: single nucleotide variant.
Coding change: c.1139C>G on transcript NM_003322.6 (MANE Select); coding-DNA position 1139, C replaced by G.
Protein change: p.Thr380Arg; replaces threonine 380 with arginine.
Molecular consequence: missense variant.
Genome position (GRCh38, 1-based): chr6:35,503,822, G>C on the plus strand (C>G on the coding strand, the complement: TULP1 is on the minus strand). VCF-style: chr6-35503822-G-C. GRCh37 (hg19) VCF-style: chr6-35471599-G-C.
Other names: c.980C>G, p.Thr327Arg (NM_001289395.2); short protein forms T327R, T380R.
Identifiers: ClinVar variation 1998712 (VCV001998712.4), dbSNP rs750974590, ClinGen allele CA363779420.

ClinVar aggregate classification (germline): Likely pathogenic (1 of 4 stars; one submission).

Submission:

Labcorp Genetics (formerly Invitae), Labcorp
Classification: Likely pathogenic. Last evaluated: 2022-10-13. Review status: criteria provided, single submitter. Criteria: Invitae Variant Classification Sherloc (09022015). Collection method: clinical testing. Allele origin: germline.
Comment: In summary, the currently available evidence indicates that the variant is pathogenic, but additional data are needed to prove that conclusively. Therefore, this variant has been classified as Likely Pathogenic. This variant disrupts the p.Thr380 amino acid residue in TULP1. Other variant(s) that disrupt this residue have been determined to be pathogenic (PMID: 20065226, 22665969). This suggests that this residue is clinically significant, and that variants that disrupt this residue are likely to be disease-causing. Advanced modeling of protein sequence and biophysical properties (such as structural, functional, and spatial information, amino acid conservation, physicochemical variation, residue mobility, and thermodynamic stability) performed at Invitae indicates that this missense variant is expected to disrupt TULP1 protein function. This variant has not been reported in the literature in individuals affected with TULP1-related conditions. This variant is not present in population databases (gnomAD no frequency). This sequence change replaces threonine, which is neutral and polar, with arginine, which is basic and polar, at codon 380 of the TULP1 protein (p.Thr380Arg).

Literature cited by the submitters: PubMed 20065226; PubMed 22665969.